The following is an entry in ClinVar:

ClinVar aggregate classification (germline): Uncertain significance (1 of 4 stars; one submission).

Submission:

CeGaT Center for Human Genetics Tuebingen
Classification: Uncertain significance. Last evaluated: 2023-01-01. Review status: criteria provided, single submitter. Criteria: CeGaT Center For Human Genetics Tuebingen Variant Classification Criteria Version 2. Collection method: clinical testing. Allele origin: germline. Affected: yes. Observed: 1 variant allele.
Comment: AUTS2: PM2

NM_015570.4(AUTS2):c.3148A>G (p.Met1050Val)

Gene: AUTS2 (activator of transcription and developmental regulator AUTS2; plus strand). Cytogenetic location: 7q11.22.
Variant type: single nucleotide variant.
Coding change: c.3148A>G on transcript NM_015570.4 (MANE Select); coding-DNA position 3148, A replaced by G.
Protein change: p.Met1050Val; replaces methionine 1050 with valine.
Molecular consequence: missense variant.
Genome position (GRCh38, 1-based): chr7:70,790,364, A>G. VCF-style: chr7-70790364-A-G. GRCh37 (hg19) VCF-style: chr7-70255350-A-G.
Other names: c.3076A>G, p.Met1026Val (NM_001127231.3); short protein forms M1026V, M1050V.
Identifiers: ClinVar variation 2499043 (VCV002499043.28), dbSNP rs1392214902, ClinGen allele CA367665576.